The following is an entry in ClinVar:

NM_024721.5(ZFHX4):c.393C>T (p.Ile131=)

Gene: ZFHX4 (zinc finger homeobox 4; plus strand). Cytogenetic location: 8q21.13.
Variant type: single nucleotide variant.
Coding change: c.393C>T on transcript NM_024721.5 (MANE Select); coding-DNA position 393, C replaced by T.
Protein change: p.Ile131=; no amino-acid change (isoleucine 131 retained).
Molecular consequence: synonymous variant.
Genome position (GRCh38, 1-based): chr8:76,704,481, C>T. VCF-style: chr8-76704481-C-T. GRCh37 (hg19) VCF-style: chr8-77616716-C-T.
Other names: c.393C>T, p.Ile131= (NM_001410934.1).
Identifiers: ClinVar variation 4900881 (VCV004900881.2).

ClinVar aggregate classification (germline): Likely benign. Review status: criteria provided, multiple submitters, no conflicts (2 of 4 stars). 2 submissions from 2 submitters: Likely benign (2). Last evaluated 2026-09-01.

gnomAD v4.1: 393 of 1,613,926 alleles (0.024%); highest among the groups gnomAD compares: Middle Eastern, 0.36%; no homozygotes.

Submissions (2):

CeGaT Center for Human Genetics Tuebingen
Classification: Likely benign. Last evaluated: 2026-09-01. Review status: criteria provided, single submitter. Criteria: CeGaT Center For Human Genetics Tuebingen Variant Classification Criteria Version 2. Collection method: clinical testing. Allele origin: germline. Affected: yes. Observed: 1 variant allele.
Comment: ZFHX4: BP4, BP7, BS1

Blueprint Genetics
Classification: Likely benign. Last evaluated: 2024-11-22. Review status: criteria provided, single submitter. Criteria: ACMG Guidelines, 2015. Collection method: clinical testing. Allele origin: germline.